The following is an entry in ClinVar:

ClinVar aggregate classification (germline): Uncertain significance (1 of 4 stars; one submission).

gnomAD v4.1: 1 of 1,614,104 alleles (0.000062%); highest among the groups gnomAD compares: South Asian, 0.0011%; no homozygotes.

Submission:

Labcorp Genetics (formerly Invitae), Labcorp
Classification: Uncertain significance. Last evaluated: 2022-12-27. Review status: criteria provided, single submitter. Criteria: Invitae Variant Classification Sherloc (09022015). Collection method: clinical testing. Allele origin: germline.
Comment: Algorithms developed to predict the effect of missense changes on protein structure and function (SIFT, PolyPhen-2, Align-GVGD) all suggest that this variant is likely to be tolerated. In summary, the available evidence is currently insufficient to determine the role of this variant in disease. Therefore, it has been classified as a Variant of Uncertain Significance. This variant has not been reported in the literature in individuals affected with WFS1-related conditions. This variant is present in population databases (rs144993516, gnomAD 0.003%). This sequence change replaces arginine, which is basic and polar, with glycine, which is neutral and non-polar, at codon 611 of the WFS1 protein (p.Arg611Gly).

NM_006005.3(WFS1):c.1831C>G (p.Arg611Gly)

Gene: WFS1 (wolframin ER transmembrane glycoprotein; plus strand). Cytogenetic location: 4p16.1.
Variant type: single nucleotide variant.
Coding change: c.1831C>G on transcript NM_006005.3 (MANE Select); coding-DNA position 1831, C replaced by G.
Protein change: p.Arg611Gly; replaces arginine 611 with glycine.
Molecular consequence: missense variant.
Genome position (GRCh38, 1-based): chr4:6,301,626, C>G. VCF-style: chr4-6301626-C-G. GRCh37 (hg19) VCF-style: chr4-6303353-C-G.
Other names: c.1831C>G, p.Arg611Gly (NM_001145853.1); short protein forms R611G.
Identifiers: ClinVar variation 2823224 (VCV002823224.3), dbSNP rs144993516, ClinGen allele CA2839512.